The following is an entry in ClinVar:

NM_018426.3(TMEM63B):c.658G>A (p.Val220Ile)

Gene: TMEM63B (transmembrane protein 63B; plus strand). Cytogenetic location: 6p21.1.
Variant type: single nucleotide variant.
Coding change: c.658G>A on transcript NM_018426.3 (MANE Select); coding-DNA position 658, G replaced by A.
Protein change: p.Val220Ile; replaces valine 220 with isoleucine.
Molecular consequence: missense variant.
Genome position (GRCh38, 1-based): chr6:44,140,307, G>A. VCF-style: chr6-44140307-G-A. GRCh37 (hg19) VCF-style: chr6-44108044-G-A.
Other names: c.658G>A, p.Val220Ile (NM_001318792.1); short protein forms V220I.
Identifiers: ClinVar variation 5030955 (VCV005030955.1).

ClinVar aggregate classification (germline): Uncertain significance (1 of 4 stars; one submission).

Conditions:
Inborn genetic diseases. Identifiers: MedGen C0950123, MeSH D030342.

gnomAD v4.1: 10 of 1,613,870 alleles (0.00062%); highest among the groups gnomAD compares: Non-Finnish European, 0.00085%; no homozygotes.

Submission:

Ambry Genetics
Classification: Uncertain significance for Inborn genetic diseases. Last evaluated: 2026-06-17. Review status: criteria provided, single submitter. Criteria: Ambry Variant Classification Scheme 2023. Collection method: clinical testing. Allele origin: germline.
Comment: The c.658G>A (p.V220I) alteration is located in exon 9 (coding exon 8) of the TMEM63B gene. This alteration results from a G to A substitution at nucleotide position 658, causing the valine (V) at amino acid position 220 to be replaced by an isoleucine (I). Based on data from gnomAD, the A allele has an overall frequency of 0.001% (3/251308) total alleles studied. The highest observed frequency was 0.003% (3/113648) of European (non-Finnish) alleles. Based on insufficient or conflicting evidence, the clinical significance of this alteration remains unclear.